The following is an entry in ClinVar:

NM_002582.4(PARN):c.566A>G (p.Glu189Gly)

Gene: PARN (poly(A)-specific ribonuclease; minus strand). Cytogenetic location: 16p13.12.
Variant type: single nucleotide variant.
Coding change: c.566A>G on transcript NM_002582.4 (MANE Select); coding-DNA position 566, A replaced by G.
Protein change: p.Glu189Gly; replaces glutamic acid 189 with glycine.
Molecular consequence: missense variant.
Genome position (GRCh38, 1-based): chr16:14,609,112, T>C on the plus strand (A>G on the coding strand, the complement: PARN is on the minus strand). VCF-style: chr16-14609112-T-C. GRCh37 (hg19) VCF-style: chr16-14702969-T-C.
Other names: c.383A>G, p.Glu128Gly (NM_001134477.3); c.428A>G, p.Glu143Gly (NM_001242992.2); short protein forms E128G, E143G, E189G.
Identifiers: ClinVar variation 2171562 (VCV002171562.4), dbSNP rs772909619, ClinGen allele CA7912378.
Genomic context (GRCh38, chr16:14,609,112, plus strand): 5'-ACTAACCCGGTACATGGCTCTAAATCCAAGTTCTTGTTTTCTTCACTTTGTAATAAATCC[T>C]CTATTTTCTCTCTGAGGAATAAGAATAGACCATAACCATCAGTACCTTTAAGGAATGAAG-3'
Protein context (NP_002573.1, residues 179-199): KFIDQVVEKI[Glu189Gly]DLLQSEENKN

ClinVar aggregate classification (germline): Uncertain significance (1 of 4 stars; one submission).

Conditions:
Dyskeratosis congenita, autosomal recessive 6 (DKCB6). Identifiers: MedGen C4225356, MONDO:0014600, OMIM 616353.
Pulmonary fibrosis and/or bone marrow failure, Telomere-related, 4. Also called: PULMONARY FIBROSIS AND/OR BONE MARROW FAILURE SYNDROME, TELOMERE-RELATED, 4. Identifiers: Orphanet 2032, MedGen C4225347, MONDO:0014612, OMIM 616371.

Allele frequency attached by ClinVar (database versions not stated): TOPMed below 0.00001; gnomAD exomes 0.00001; ExAC 0.00002.
gnomAD v4.1: 9 of 1,509,298 alleles (0.0006%); highest among the groups gnomAD compares: Middle Eastern, 0.017%; no homozygotes.

Submission:

Labcorp Genetics (formerly Invitae), Labcorp
Classification: Uncertain significance for Dyskeratosis congenita, autosomal recessive 6; Pulmonary fibrosis and/or bone marrow failure, Telomere-related, 4. Last evaluated: 2022-01-01. Review status: criteria provided, single submitter. Criteria: Invitae Variant Classification Sherloc (09022015). Collection method: clinical testing. Allele origin: germline.
Comment: In summary, the available evidence is currently insufficient to determine the role of this variant in disease. Therefore, it has been classified as a Variant of Uncertain Significance. Algorithms developed to predict the effect of missense changes on protein structure and function (SIFT, PolyPhen-2, Align-GVGD) all suggest that this variant is likely to be tolerated. This variant has not been reported in the literature in individuals affected with PARN-related conditions. The frequency data for this variant in the population databases is considered unreliable, as metrics indicate poor data quality at this position in the gnomAD database. This sequence change replaces glutamic acid, which is acidic and polar, with glycine, which is neutral and non-polar, at codon 189 of the PARN protein (p.Glu189Gly).